The following is an entry in ClinVar:

ClinVar aggregate classification (germline): Uncertain significance (1 of 4 stars; one submission).

Conditions:
Perlman syndrome (PRLMNS). Identifiers: Orphanet 2849, MedGen C0796113, MONDO:0009965, OMIM 267000.

Submission:

Labcorp Genetics (formerly Invitae), Labcorp
Classification: Uncertain significance for Perlman syndrome. Last evaluated: 2018-05-20. Review status: criteria provided, single submitter. Criteria: Invitae Variant Classification Sherloc (09022015). Collection method: clinical testing. Allele origin: germline.
Comment: This variant has not been reported in the literature in individuals with DIS3L2-related disease. This variant is not present in population databases (ExAC no frequency). This sequence change replaces proline with serine at codon 398 of the DIS3L2 protein (p.Pro398Ser). The proline residue is weakly conserved and there is a moderate physicochemical difference between proline and serine. In summary, the available evidence is currently insufficient to determine the role of this variant in disease. Therefore, it has been classified as a Variant of Uncertain Significance. Algorithms developed to predict the effect of missense changes on protein structure and function output the following: SIFT: "Tolerated"; PolyPhen-2: "Benign"; Align-GVGD: "Class C0". The serine amino acid residue is found in multiple mammalian species, suggesting that this missense change does not adversely affect protein function. These predictions have not been confirmed by published functional studies and their clinical significance is uncertain.

NM_152383.5(DIS3L2):c.1192C>T (p.Pro398Ser)

Gene: DIS3L2 (DIS3 like 3'-5' exoribonuclease 2; plus strand). Cytogenetic location: 2q37.1.
Variant type: single nucleotide variant.
Coding change: c.1192C>T on transcript NM_152383.5 (MANE Select); coding-DNA position 1192, C replaced by T.
Protein change: p.Pro398Ser; replaces proline 398 with serine.
Molecular consequence: missense variant. On other transcripts: non-coding transcript variant (2).
Genome position (GRCh38, 1-based): chr2:232,210,393, C>T. VCF-style: chr2-232210393-C-T. GRCh37 (hg19) VCF-style: chr2-233075103-C-T.
Other names: c.1192C>T, p.Pro398Ser (NM_001257281.2); short protein forms P398S.
Identifiers: ClinVar variation 570570 (VCV000570570.8), dbSNP rs1559156534, ClinGen allele CA351154117.